The following is an entry in ClinVar:

NM_001005361.3(DNM2):c.997G>A (p.Val333Ile)

Gene: DNM2 (dynamin 2; plus strand). Cytogenetic location: 19p13.2.
Variant type: single nucleotide variant.
Coding change: c.997G>A on transcript NM_001005361.3 (MANE Select); coding-DNA position 997, G replaced by A.
Protein change: p.Val333Ile; replaces valine 333 with isoleucine.
Molecular consequence: missense variant.
Genome position (GRCh38, 1-based): chr19:10,793,724, G>A. VCF-style: chr19-10793724-G-A. GRCh37 (hg19) VCF-style: chr19-10904400-G-A.
Other names: c.997G>A, p.Val333Ile (NM_001005360.3, NM_001005362.3, NM_001190716.2 and 1 more transcripts); short protein forms V333I.
Identifiers: ClinVar variation 3000403 (VCV003000403.3), dbSNP rs2513224154, ClinGen allele CA404047795.

ClinVar aggregate classification (germline): Uncertain significance (1 of 4 stars; one submission).

Conditions:
Charcot-Marie-Tooth disease dominant intermediate B (CMTDIB). Also called: CHARCOT-MARIE-TOOTH NEUROPATHY, DOMINANT INTERMEDIATE B; Charcot-Marie-Tooth disease dominant intermediate 1; CMT DI1; Charcot-Marie-Tooth disease dominant intermediate I. Identifiers: Orphanet 100044, Orphanet 228179, MedGen C1847902, MONDO:0011674, OMIM 606482.

Allele frequency attached by ClinVar (database versions not stated): gnomAD exomes below 0.00001.
gnomAD v4.1: 1 of 1,614,136 alleles (0.000062%); highest among the groups gnomAD compares: Non-Finnish European, 0.000085%; no homozygotes.

Submission:

Labcorp Genetics (formerly Invitae), Labcorp
Classification: Uncertain significance for Charcot-Marie-Tooth disease dominant intermediate B. Last evaluated: 2024-06-29. Review status: criteria provided, single submitter. Criteria: Invitae Variant Classification Sherloc (09022015). Collection method: clinical testing. Allele origin: germline.
Comment: This sequence change replaces valine, which is neutral and non-polar, with isoleucine, which is neutral and non-polar, at codon 333 of the DNM2 protein (p.Val333Ile). This variant is not present in population databases (gnomAD no frequency). This variant has not been reported in the literature in individuals affected with DNM2-related conditions. Advanced modeling of protein sequence and biophysical properties (such as structural, functional, and spatial information, amino acid conservation, physicochemical variation, residue mobility, and thermodynamic stability) has been performed at Invitae for this missense variant, however the output from this modeling did not meet the statistical confidence thresholds required to predict the impact of this variant on DNM2 protein function. In summary, the available evidence is currently insufficient to determine the role of this variant in disease. Therefore, it has been classified as a Variant of Uncertain Significance.